The following is an entry in ClinVar:

NC_000009.11:g.(?_334205)_(452137_?)del

Gene: DOCK8 (dedicator of cytokinesis 8; plus strand). Cytogenetic location: 9p24.3.
Variant type: Deletion.
Identifiers: ClinVar variation 2427693 (VCV002427693.8).

ClinVar aggregate classification (germline): Pathogenic (1 of 4 stars; one submission).

Conditions:
Hyper-IgE recurrent infection syndrome 3, autosomal recessive. Also called: Autosomal recessive hyper-IgE syndrome due to ZNF341 deficiency; HYPER-IgE SYNDROME 3, AUTOSOMAL RECESSIVE, WITH RECURRENT INFECTIONS. Identifiers: Orphanet 641368, MedGen C4748969, MONDO:0032654, OMIM 618282.

Submission:

Labcorp Genetics (formerly Invitae), Labcorp
Classification: Pathogenic for Combined immunodeficiency due to DOCK8 deficiency. Last evaluated: 2022-07-15. Review status: criteria provided, single submitter. Criteria: Invitae Variant Classification Sherloc (09022015). Collection method: clinical testing. Allele origin: germline.
Comment: For these reasons, this variant has been classified as Pathogenic. This variant has not been reported in the literature in individuals affected with DOCK8-related conditions. This variant is a gross deletion of the genomic region encompassing exon(s) 11-46 of the DOCK8 gene. This deletion is out-of-frame, and is expected to create a premature termination codon and result in an absent or disrupted protein product. Loss-of-function variants in DOCK8 are known to be pathogenic (PMID: 14722525, 19776401).

Literature cited by the submitters: PubMed 14722525; PubMed 19776401.